The following is an entry in ClinVar:

ClinVar aggregate classification (germline): Pathogenic/Likely pathogenic. Review status: criteria provided, multiple submitters, no conflicts (2 of 4 stars). 5 submissions from 5 submitters: Pathogenic (4); Likely pathogenic (1). Last evaluated 2026-04-27.

Conditions:
Pseudohypoaldosteronism type 2E (PHA2E). Also called: Pseudohypoaldosteronism Type IIE. Identifiers: Orphanet 300530, Orphanet 757, MedGen C3469606, MONDO:0013782, OMIM 614496.
Neurodevelopmental disorder with or without autism or seizures (NEDAUS). Identifiers: MedGen C5543225, MONDO:0030994, OMIM 619239.
CUL3-related disorder. Also called: CUL3-related condition; CUL3-related disorders.
Inborn genetic diseases. Identifiers: MedGen C0950123, MeSH D030342.
Multiple congenital anomalies/dysmorphic syndrome-intellectual disability. Identifiers: Orphanet 102283, MedGen C5680372, MONDO:0015159.

Submissions (5):

Ambry Genetics
Classification: Pathogenic for Inborn genetic diseases. Last evaluated: 2026-04-27. Review status: criteria provided, single submitter. Criteria: Ambry Variant Classification Scheme 2023. Collection method: clinical testing. Allele origin: germline.
Comment: The c.739C>T (p.R247*) alteration, located in exon 6 (coding exon 6) of the CUL3 gene, consists of a C to T substitution at nucleotide position 739. This changes the amino acid from a arginine (R) to a stop codon at amino acid position 247. This variant is expected to result in loss of function by premature protein truncation or nonsense-mediated mRNA decay. for CUL3-related neurodevelopmental disorder; however, its clinical significance for CUL3-related pseudohypoaldosteronism type IIis uncertain This variant was not reported in population-based cohorts in the Genome Aggregation Database (gnomAD). Based on the available evidence, this alteration is classified as pathogenic.

GeneDx
Classification: Pathogenic. Last evaluated: 2025-10-09. Review status: criteria provided, single submitter. Criteria: GeneDx Variant Classification Process June 2021. Collection method: clinical testing. Allele origin: germline. Affected: yes.
Comment: Reported using alternate nomenclature c.757C>T in a patient with a neurodevelopmental disorder in the published literature; however, additional clinical and segregation information were not included (PMID: 33004838); Nonsense variant predicted to result in protein truncation or nonsense mediated decay in a gene for which loss of function is a known mechanism of disease; Not observed at significant frequency in large population cohorts (gnomAD); This variant is associated with the following publications: (PMID: 33004838, 37398376, 33057194, 38958063, 35982159)

Blueprint Genetics
Classification: Pathogenic for CUL3-related disorders. Last evaluated: 2023-01-23. Review status: criteria provided, single submitter. Criteria: ACMG Guidelines, 2015. Collection method: clinical testing. Allele origin: de novo. Affected: yes. Observed: 1 variant allele.

AURAGEN, Plan France Médecine Génomique
Classification: Likely pathogenic for Multiple congenital anomalies/dysmorphic syndrome-intellectual disability. Last evaluated: 2021-04-20. Review status: criteria provided, single submitter. Criteria: PFMG2025 (Lancet Reg Health Eur. 2025). Collection method: clinical testing. Allele origin: germline. Affected: yes.

Juno Genomics, Hangzhou Juno Genomics, Inc
Classification: Pathogenic for Neurodevelopmental disorder with or without autism or seizures; Pseudohypoaldosteronism type 2E. Review status: criteria provided, single submitter. Criteria: ACMG Guidelines, 2015. Collection method: clinical testing. Allele origin: germline.
Comment: Absent from controls (or at extremely low frequency if recessive) in Genome Aggregation Database.;Null variant in a gene where loss of function (LOF) is a known mechanism of disease.;The prevalence of the variant in affected individuals is significantly increased compared to the prevalence in controls.

NM_003590.5(CUL3):c.739C>T (p.Arg247Ter)

Gene: CUL3 (cullin 3; minus strand). Cytogenetic location: 2q36.2.
Variant type: single nucleotide variant.
Coding change: c.739C>T on transcript NM_003590.5 (MANE Select); coding-DNA position 739, C replaced by T.
Protein change: p.Arg247Ter; replaces arginine 247 with a stop codon.
Molecular consequence: nonsense.
Genome position (GRCh38, 1-based): chr2:224,511,498, G>A on the plus strand (C>T on the coding strand, the complement: CUL3 is on the minus strand). VCF-style: chr2-224511498-G-A. GRCh37 (hg19) VCF-style: chr2-225376215-G-A.
Other names: c.739C>T (NM_003590.3); c.541C>T, p.Arg181Ter (NM_001257197.2); c.757C>T, p.Arg253Ter (NM_001257198.2); short protein forms R247*, R253*, R181*.
Identifiers: ClinVar variation 523862 (VCV000523862.13), dbSNP rs201496024, ClinGen allele CA350830494.